The following is an entry in ClinVar:

ClinVar aggregate classification (germline): Uncertain significance (1 of 4 stars; one submission).

Conditions:
Lethal congenital glycogen storage disease of heart. Also called: GLYCOGEN STORAGE DISEASE OF HEART; PHOSPHORYLASE KINASE DEFICIENCY OF HEART. Identifiers: Orphanet 439854, MedGen C1849813, MONDO:0009867, OMIM 261740.

Submission:

Labcorp Genetics (formerly Invitae), Labcorp
Classification: Uncertain significance for Lethal congenital glycogen storage disease of heart. Last evaluated: 2023-12-11. Review status: criteria provided, single submitter. Criteria: Invitae Variant Classification Sherloc (09022015). Collection method: clinical testing. Allele origin: germline.
Comment: This sequence change replaces valine, which is neutral and non-polar, with leucine, which is neutral and non-polar, at codon 494 of the PRKAG2 protein (p.Val494Leu). This variant is not present in population databases (gnomAD no frequency). This variant has not been reported in the literature in individuals affected with PRKAG2-related conditions. Advanced modeling of protein sequence and biophysical properties (such as structural, functional, and spatial information, amino acid conservation, physicochemical variation, residue mobility, and thermodynamic stability) has been performed at Invitae for this missense variant, however the output from this modeling did not meet the statistical confidence thresholds required to predict the impact of this variant on PRKAG2 protein function. In summary, the available evidence is currently insufficient to determine the role of this variant in disease. Therefore, it has been classified as a Variant of Uncertain Significance.

NM_016203.4(PRKAG2):c.1480G>T (p.Val494Leu)

Gene: PRKAG2 (protein kinase AMP-activated non-catalytic subunit gamma 2; minus strand). Cytogenetic location: 7q36.1.
Variant type: single nucleotide variant.
Coding change: c.1480G>T on transcript NM_016203.4 (MANE Select); coding-DNA position 1480, G replaced by T.
Protein change: p.Val494Leu; replaces valine 494 with leucine.
Molecular consequence: missense variant.
Genome position (GRCh38, 1-based): chr7:151,564,182, C>A on the plus strand (G>T on the coding strand, the complement: PRKAG2 is on the minus strand). VCF-style: chr7-151564182-C-A. GRCh37 (hg19) VCF-style: chr7-151261268-C-A.
Other names: c.1348G>T, p.Val450Leu (NM_001040633.2, NM_001407024.1); c.1105G>T, p.Val369Leu (NM_001304527.2, NM_001407029.1); c.757G>T, p.Val253Leu (NM_001304531.2, NM_001407034.1, NM_001407035.1 and 1 more transcripts); c.1108G>T, p.Val370Leu (NM_001363698.2, NM_001407028.1); c.1480G>T, p.Val494Leu (NM_001407021.1); c.1477G>T, p.Val493Leu (NM_001407022.1, NM_001407023.1); c.1345G>T, p.Val449Leu (NM_001407026.1, NM_001407027.1); c.1192G>T, p.Val398Leu (NM_001407030.1); and 6 more; short protein forms V252L, V369L, V397L, V273L, V494L, V449L, V493L, V269L.
Identifiers: ClinVar variation 2963199 (VCV002963199.3), dbSNP rs2536275655, ClinGen allele CA370070649.